The following is an entry in ClinVar:

ClinVar aggregate classification (germline): Uncertain significance (1 of 4 stars; one submission).

gnomAD v4.1: 1 of 1,614,030 alleles (0.000062%); highest among the groups gnomAD compares: Admixed American, 0.0017%; no homozygotes.

Submission:

GeneDx
Classification: Uncertain significance. Last evaluated: 2025-05-09. Review status: criteria provided, single submitter. Criteria: GeneDx Variant Classification Process June 2021. Collection method: clinical testing. Allele origin: germline. Affected: yes.
Comment: Not observed at significant frequency in large population cohorts (gnomAD); In silico analysis suggests that this missense variant does not alter protein structure/function; Has not been previously published as pathogenic or benign to our knowledge

NM_001375567.1(FOCAD):c.3355A>C (p.Lys1119Gln)

Gene: FOCAD (focadhesin; plus strand). Cytogenetic location: 9p21.3.
Variant type: single nucleotide variant.
Coding change: c.3355A>C on transcript NM_001375567.1 (MANE Select); coding-DNA position 3355, A replaced by C.
Protein change: p.Lys1119Gln; replaces lysine 1119 with glutamine.
Molecular consequence: missense variant.
Genome position (GRCh38, 1-based): chr9:20,933,051, A>C. VCF-style: chr9-20933051-A-C. GRCh37 (hg19) VCF-style: chr9-20933050-A-C.
Other names: c.3250A>C, p.Lys1084Gln (NM_001375568.1, NM_001375570.1); c.3355A>C, p.Lys1119Gln (NM_017794.5); short protein forms K1084Q, K1119Q.
Identifiers: ClinVar variation 4527863 (VCV004527863.1).